The following is an entry in ClinVar:

NC_000002.11:g.(?_145182343)_(145187613_?)del

Gene: ZEB2 (zinc finger E-box binding homeobox 2; minus strand). Cytogenetic location: 2q22.3.
Variant type: Deletion.
Identifiers: ClinVar variation 2425974 (VCV002425974.4).

ClinVar aggregate classification (germline): Uncertain significance (1 of 4 stars; one submission).

Conditions:
Mowat-Wilson syndrome (MOWS). Also called: Classic Mowat-Wilson Syndrome. Identifiers: Orphanet 2152, MedGen C1856113, MONDO:0009341, OMIM 235730.

Submission:

Labcorp Genetics (formerly Invitae), Labcorp
Classification: Uncertain significance for Mowat-Wilson syndrome. Last evaluated: 2022-04-10. Review status: criteria provided, single submitter. Criteria: Invitae Variant Classification Sherloc (09022015). Collection method: clinical testing. Allele origin: germline.
Comment: This variant is a gross deletion of the genomic region encompassing exon(s) 3-4 of the ZEB2 gene. This variant would be expected to be in-frame, preserving the integrity of the reading frame. This variant has not been reported in the literature in individuals affected with ZEB2-related conditions. Experimental studies and prediction algorithms are not available or were not evaluated, and the functional significance of this variant is currently unknown. In summary, the available evidence is currently insufficient to determine the role of this variant in disease. Therefore, it has been classified as a Variant of Uncertain Significance.